The following is an entry in ClinVar:

NM_003000.3(SDHB):c.287-9C>G

Gene: SDHB (succinate dehydrogenase complex iron sulfur subunit B; minus strand). Cytogenetic location: 1p36.13.
Variant type: single nucleotide variant.
Coding change: c.287-9C>G on transcript NM_003000.3 (MANE Select); 9 bases into the intron before coding-DNA position 287, C replaced by G.
Molecular consequence: intron variant.
Genome position (GRCh38, 1-based): chr1:17,028,745, G>C on the plus strand (C>G on the coding strand, the complement: SDHB is on the minus strand). VCF-style: chr1-17028745-G-C. GRCh37 (hg19) VCF-style: chr1-17355240-G-C.
Identifiers: ClinVar variation 1081565 (VCV001081565.9), dbSNP rs775784091, ClinGen allele CA2499214309.

ClinVar aggregate classification (germline): Likely benign. Review status: criteria provided, multiple submitters, no conflicts (2 of 4 stars). 3 submissions from 3 submitters: Likely benign (3). Last evaluated 2025-08-18.

Conditions:
Pheochromocytoma. Also called: MAX-Related Hereditary Paraganglioma-Pheochromocytoma Syndrome. Identifiers: Orphanet 29072, MedGen C0031511, MONDO:0008233, OMIM 171300, HP:0002666.
Gastrointestinal stromal tumor. Also called: Gastrointestinal stroma tumor; Gastrointestinal stromal tumor, somatic. Identifiers: Orphanet 44890, MedGen C0238198, MeSH D046152, MONDO:0011719, OMIM 606764, HP:0100723.
Pheochromocytoma/paraganglioma syndrome 4. Also called: SDHB-Related Hereditary Paraganglioma-Pheochromocytoma Syndrome (Paragangliomas 4); SDHB-Related Hereditary Paraganglioma-Pheochromocytoma Syndrome; CAROTID BODY TUMORS AND MULTIPLE EXTRAADRENAL PHEOCHROMOCYTOMAS; PARAGANGLIOMA, FAMILIAL MALIGNANT; PARAGANGLIOMAS, HEREDITARY EXTRAADRENAL; PHEOCHROMOCYTOMA, FAMILIAL EXTRAADRENAL. Identifiers: Orphanet 29072, MedGen C1861848, MONDO:0007273, OMIM 115310.
Hereditary pheochromocytoma and paraganglioma. Also called: Hereditary Paraganglioma-Pheochromocytoma Syndromes; Hereditary pheochromocytoma-paraganglioma; Hereditary paragangliomas and pheochromocytomas. Identifiers: Orphanet 29072, MedGen C4274332, MONDO:0017366.

gnomAD v4.1: 2 of 1,613,630 alleles (0.00012%); highest among the groups gnomAD compares: Non-Finnish European, 0.00017%; no homozygotes.

Submissions (3):

Labcorp Genetics (formerly Invitae), Labcorp
Classification: Likely benign for Gastrointestinal stromal tumor; Pheochromocytoma/paraganglioma syndrome 4; Pheochromocytoma. Last evaluated: 2025-08-18. Review status: criteria provided, single submitter. Criteria: Invitae Variant Classification Sherloc (09022015). Collection method: clinical testing. Allele origin: germline.

All of Us Research Program, National Institutes of Health
Classification: Likely benign for Hereditary pheochromocytoma and paraganglioma. Last evaluated: 2023-10-02. Review status: criteria provided, single submitter. Criteria: ACMG Guidelines, 2015. Collection method: clinical testing. Allele origin: germline. Inheritance: Autosomal dominant inheritance. Observed: 1 variant allele, 1 heterozygote.
Comment: This study involves interpretation of variants in research participants for the purpose of population health screening. Participant phenotype was not available at the time of variant classification. Additional details can be found in publication PMID: 35346344, PMCID: PMC8962531

Color Diagnostics, LLC DBA Color Health
Classification: Likely benign for Hereditary pheochromocytoma and paraganglioma. Last evaluated: 2022-10-28. Review status: criteria provided, single submitter. Criteria: ACMG Guidelines, 2015. Collection method: clinical testing. Allele origin: germline.